The following is an entry in ClinVar:

NM_001205293.3(CACNA1E):c.5619G>A (p.Met1873Ile)

Gene: CACNA1E (calcium voltage-gated channel subunit alpha1 E; plus strand). Cytogenetic location: 1q25.3.
Variant type: single nucleotide variant.
Coding change: c.5619G>A on transcript NM_001205293.3 (MANE Select); coding-DNA position 5619, G replaced by A.
Protein change: p.Met1873Ile; replaces methionine 1873 with isoleucine.
Molecular consequence: missense variant.
Genome position (GRCh38, 1-based): chr1:181,785,358, G>A. VCF-style: chr1-181785358-G-A. GRCh37 (hg19) VCF-style: chr1-181754494-G-A.
Other names: c.5619G>A, p.Met1873Ile (NM_000721.4); c.5562G>A, p.Met1854Ile (NM_001205294.2); short protein forms M1873I, M1854I.
Identifiers: ClinVar variation 2694345 (VCV002694345.3), dbSNP rs1660764919, ClinGen allele CA343631442.

ClinVar aggregate classification (germline): Uncertain significance (1 of 4 stars; one submission).

Submission:

Labcorp Genetics (formerly Invitae), Labcorp
Classification: Uncertain significance. Last evaluated: 2023-11-08. Review status: criteria provided, single submitter. Criteria: Invitae Variant Classification Sherloc (09022015). Collection method: clinical testing. Allele origin: germline.
Comment: This sequence change replaces methionine, which is neutral and non-polar, with isoleucine, which is neutral and non-polar, at codon 1873 of the CACNA1E protein (p.Met1873Ile). This variant is not present in population databases (gnomAD no frequency). This variant has not been reported in the literature in individuals affected with CACNA1E-related conditions. Advanced modeling of protein sequence and biophysical properties (such as structural, functional, and spatial information, amino acid conservation, physicochemical variation, residue mobility, and thermodynamic stability) performed at Invitae indicates that this missense variant is not expected to disrupt CACNA1E protein function with a negative predictive value of 95%. In summary, the available evidence is currently insufficient to determine the role of this variant in disease. Therefore, it has been classified as a Variant of Uncertain Significance.